The following is an entry in ClinVar:

NM_001457.4(FLNB):c.2011G>T (p.Asp671Tyr)

Gene: FLNB (filamin B; plus strand). Cytogenetic location: 3p14.3.
Variant type: single nucleotide variant.
Coding change: c.2011G>T on transcript NM_001457.4 (MANE Select); coding-DNA position 2011, G replaced by T.
Protein change: p.Asp671Tyr; replaces aspartic acid 671 with tyrosine.
Molecular consequence: missense variant.
Genome position (GRCh38, 1-based): chr3:58,108,527, G>T. VCF-style: chr3-58108527-G-T. GRCh37 (hg19) VCF-style: chr3-58094254-G-T.
Other names: c.2011G>T, p.Asp671Tyr (NM_001164317.2, NM_001164318.2, NM_001164319.2); short protein forms D671Y.
Identifiers: ClinVar variation 2117038 (VCV002117038.4), dbSNP rs2471081870, ClinGen allele CA353342316.

ClinVar aggregate classification (germline): Uncertain significance (1 of 4 stars; one submission).

Allele frequency attached by ClinVar (database versions not stated): gnomAD exomes 0.00001.
gnomAD v4.1: 12 of 1,614,108 alleles (0.00074%); highest among the groups gnomAD compares: Non-Finnish European, 0.001%; no homozygotes.

Submission:

Labcorp Genetics (formerly Invitae), Labcorp
Classification: Uncertain significance. Last evaluated: 2022-03-26. Review status: criteria provided, single submitter. Criteria: Invitae Variant Classification Sherloc (09022015). Collection method: clinical testing. Allele origin: germline.
Comment: This variant is not present in population databases (gnomAD no frequency). This sequence change replaces aspartic acid, which is acidic and polar, with tyrosine, which is neutral and polar, at codon 671 of the FLNB protein (p.Asp671Tyr). This variant has not been reported in the literature in individuals affected with FLNB-related conditions. In summary, the available evidence is currently insufficient to determine the role of this variant in disease. Therefore, it has been classified as a Variant of Uncertain Significance. Advanced modeling of protein sequence and biophysical properties (such as structural, functional, and spatial information, amino acid conservation, physicochemical variation, residue mobility, and thermodynamic stability) performed at Invitae indicates that this missense variant is not expected to disrupt FLNB protein function.